The following is an entry in ClinVar:

ClinVar aggregate classification (germline): Likely benign. Review status: criteria provided, multiple submitters, no conflicts (2 of 4 stars). 2 submissions from 2 submitters: Likely benign (2). Last evaluated 2026-04-01.

Allele frequency attached by ClinVar (database versions not stated): gnomAD 0.00006; TOPMed 0.00011.
gnomAD v4.1: 41 of 1,613,198 alleles (0.0025%); highest among the groups gnomAD compares: African/African-American, 0.025%; no homozygotes.

Submissions (2):

CeGaT Center for Human Genetics Tuebingen
Classification: Likely benign. Last evaluated: 2026-04-01. Review status: criteria provided, single submitter. Criteria: CeGaT Center For Human Genetics Tuebingen Variant Classification Criteria Version 2. Collection method: clinical testing. Allele origin: germline. Affected: yes. Observed: 1 variant allele.
Comment: LAMA3: BP4, BP7

Labcorp Genetics (formerly Invitae), Labcorp
Classification: Likely benign. Last evaluated: 2020-01-28. Review status: criteria provided, single submitter. Criteria: Invitae Variant Classification Sherloc (09022015). Collection method: clinical testing. Allele origin: germline.

NM_198129.4(LAMA3):c.4125C>T (p.Ser1375=)

Gene: LAMA3 (laminin subunit alpha 3; plus strand). Cytogenetic location: 18q11.2.
Variant type: single nucleotide variant.
Coding change: c.4125C>T on transcript NM_198129.4 (MANE Select); coding-DNA position 4125, C replaced by T.
Protein change: p.Ser1375=; no amino-acid change (serine 1375 retained).
Molecular consequence: synonymous variant.
Genome position (GRCh38, 1-based): chr18:23,847,657, C>T. VCF-style: chr18-23847657-C-T. GRCh37 (hg19) VCF-style: chr18-21427621-C-T.
Other names: c.4125C>T, p.Ser1375= (NM_001127717.4).
Identifiers: ClinVar variation 2143327 (VCV002143327.6), dbSNP rs755764819, ClinGen allele CA8915493.